The following is an entry in ClinVar:

ClinVar aggregate classification (germline): Uncertain significance. Review status: criteria provided, single submitter (1 of 4 stars). 2 submissions from 2 submitters: Uncertain significance (1). 1 of the submissions does not count toward it. Last evaluated 2024-10-08.

Conditions:
Cholestanol storage disease (CTX). Also called: CEREBRAL CHOLESTERINOSIS; Cerebrotendinous Xanthomatosis; CTX: Cerebrotendinous xanthomatosis. Identifiers: Orphanet 909, MedGen C0238052, MONDO:0008948, OMIM 213700.

gnomAD v4.1: 1 of 1,614,212 alleles (0.000062%); highest among the groups gnomAD compares: East Asian, 0.0022%; no homozygotes.

Submissions (2):

Women's Health and Genetics/Laboratory Corporation of America, LabCorp
Classification: Uncertain significance. Last evaluated: 2024-10-08. Review status: criteria provided, single submitter. Criteria: LabCorp Variant Classification Summary - May 2015. Collection method: clinical testing. Allele origin: germline.
Comment: Variant summary: CYP27A1 c.1238T>A (p.Val413Asp) results in a non-conservative amino acid change in the encoded protein sequence. Five of five in-silico tools predict a damaging effect of the variant on protein function. The variant was absent in 251488 control chromosomes. The available data on variant occurrences in the general population are insufficient to allow any conclusion about variant significance. c.1238T>A has been reported in the compound heterozygous state in the literature in at least 1 individual affected with Cerebrotendinous Xanthomatosis (example, Koyama_2012). These data do not allow any conclusion about variant significance. To our knowledge, no experimental evidence demonstrating an impact on protein function has been reported. The following publication has been ascertained in the context of this evaluation (PMID: 22336472). ClinVar contains an entry for this variant (Variation ID: 65840). Based on the evidence outlined above, the variant was classified as uncertain significance.

GeneReviews
Classification: Pathogenic for Cerebrotendinous Xanthomatosis. Last evaluated: 2013-08-01. Review status: no assertion criteria provided. Collection method: curation. Allele origin: unknown. Not counted in ClinVar's aggregate classification.
ClinVar note: Converted during submission from pathologic to Pathogenic.

Literature cited by the submitters: PubMed 22336472 (cited by Women's Health and Genetics/Laboratory Corporation of America, LabCorp).

NM_000784.4(CYP27A1):c.1238T>A (p.Val413Asp)

Gene: CYP27A1 (cytochrome P450 family 27 subfamily A member 1; plus strand). Cytogenetic location: 2q35.
Variant type: single nucleotide variant.
Coding change: c.1238T>A on transcript NM_000784.4 (MANE Select); coding-DNA position 1238, T replaced by A.
Protein change: p.Val413Asp; replaces valine 413 with aspartic acid.
Molecular consequence: missense variant.
Genome position (GRCh38, 1-based): chr2:218,814,433, T>A. VCF-style: chr2-218814433-T-A. GRCh37 (hg19) VCF-style: chr2-219679156-T-A.
Other names: c.1238T>A; short protein forms V413D.
Identifiers: ClinVar variation 65840 (VCV000065840.4), dbSNP rs587778783, ClinGen allele CA345173.